The following is an entry in ClinVar:

NM_014244.5(ADAMTS2):c.3178+5C>T

Gene: ADAMTS2 (ADAM metallopeptidase with thrombospondin type 1 motif 2; minus strand). Cytogenetic location: 5q35.3.
Variant type: single nucleotide variant.
Coding change: c.3178+5C>T on transcript NM_014244.5 (MANE Select); 5 bases into the intron after coding-DNA position 3178, C replaced by T.
Molecular consequence: intron variant.
Genome position (GRCh38, 1-based): chr5:179,121,656, G>A on the plus strand (C>T on the coding strand, the complement: ADAMTS2 is on the minus strand). VCF-style: chr5-179121656-G-A. GRCh37 (hg19) VCF-style: chr5-178548657-G-A.
Identifiers: ClinVar variation 2058178 (VCV002058178.10), dbSNP rs759395261, ClinGen allele CA3595282.

ClinVar aggregate classification (germline): Uncertain significance. Review status: criteria provided, multiple submitters, no conflicts (2 of 4 stars). 3 submissions from 3 submitters: Uncertain significance (3). Last evaluated 2025-07-01.

Conditions:
Ehlers-Danlos syndrome, dermatosparaxis type. Also called: Ehlers-Danlos syndrome, type VII, autosomal recessive; EDS VIIC; Dermatosparaxis. Identifiers: Orphanet 1901, MedGen C2700425, MONDO:0009161, OMIM 225410.

Allele frequency attached by ClinVar (database versions not stated): ExAC 0.00003; gnomAD 0.00003; gnomAD exomes 0.00003; TOPMed 0.00004.
gnomAD v4.1: 52 of 1,599,702 alleles (0.0033%); highest among the groups gnomAD compares: Non-Finnish European, 0.0038%; no homozygotes.

Submissions (3):

CeGaT Center for Human Genetics Tuebingen
Classification: Uncertain significance. Last evaluated: 2025-07-01. Review status: criteria provided, single submitter. Criteria: CeGaT Center For Human Genetics Tuebingen Variant Classification Criteria Version 2. Collection method: clinical testing. Allele origin: germline. Affected: yes. Observed: 1 variant allele.
Comment: ADAMTS2: PM2, BP4

Women's Health and Genetics/Laboratory Corporation of America, LabCorp
Classification: Uncertain significance. Last evaluated: 2024-05-06. Review status: criteria provided, single submitter. Criteria: LabCorp Variant Classification Summary - May 2015. Collection method: clinical testing. Allele origin: germline.

Labcorp Genetics (formerly Invitae), Labcorp
Classification: Uncertain significance for Ehlers-Danlos syndrome, dermatosparaxis type. Last evaluated: 2021-08-31. Review status: criteria provided, single submitter. Criteria: Invitae Variant Classification Sherloc (09022015). Collection method: clinical testing. Allele origin: germline.
Comment: This sequence change falls in intron 21 of the ADAMTS2 gene. It does not directly change the encoded amino acid sequence of the ADAMTS2 protein. It affects a nucleotide within the consensus splice site of the intron. This variant is present in population databases (rs759395261, ExAC 0.009%). This variant has not been reported in the literature in individuals affected with ADAMTS2-related conditions. Variants that disrupt the consensus splice site are a relatively common cause of aberrant splicing (PMID: 17576681, 9536098). Algorithms developed to predict the effect of sequence changes on RNA splicing suggest that this variant may disrupt the consensus splice site. In summary, the available evidence is currently insufficient to determine the role of this variant in disease. Therefore, it has been classified as a Variant of Uncertain Significance.

Literature cited by the submitters: PubMed 17576681 (cited by Labcorp Genetics (formerly Invitae), Labcorp); PubMed 9536098 (cited by Labcorp Genetics (formerly Invitae), Labcorp).